The following is an entry in ClinVar:

NM_000152.5(GAA):c.2646+2_2646+3del

Gene: GAA (alpha glucosidase; plus strand). Cytogenetic location: 17q25.3.
Variant type: Microsatellite.
Coding change: c.2646+2_2646+3del on transcript NM_000152.5 (MANE Select); the canonical splice donor site of the intron after coding-DNA position 2646 through 3 bases into the intron after coding-DNA position 2646, 2 bases deleted (TG; older notation c.2646+2_2646+3delTG).
Molecular consequence: splice donor variant.
Genome position (GRCh38, 1-based): chr17:80,118,359-80,118,360, TG deleted; deleting any 2 consecutive bases within chr17:80,118,357-80,118,360 gives the same sequence; the c. name uses the placement nearest the transcript's 3' end. VCF-style (leftmost placement, unchanged base first): chr17-80118356-ATG-A. GRCh37 (hg19) VCF-style: chr17-78092155-ATG-A.
Other names: c.2646+2_2646+3del (NM_001406741.1, NM_001406742.1, NM_001079803.3 and 1 more transcripts).
Identifiers: ClinVar variation 4876390 (VCV004876390.1).

ClinVar aggregate classification (germline): Pathogenic (1 of 4 stars; one submission).

Conditions:
Glycogen storage disease, type II (IOPD). Also called: Pompe Disease; CARDIOMEGALIA GLYCOGENICA DIFFUSA; GLYCOGENOSIS, GENERALIZED, CARDIAC FORM; GSD II; POMPE DISEASE, INFANTILE-ONSET; GLYCOGEN STORAGE DISEASE II, INFANTILE-ONSET. Identifiers: Orphanet 365, MedGen C0017921, MONDO:0009290, OMIM 232300.

Submission:

Genomenon, Inc
Classification: Pathogenic for Glycogen storage disease, type II. Last evaluated: 2026-07-01. Review status: criteria provided, single submitter. Criteria: Genomenon Sequence Variant Interpretation Standards - Updated. Collection method: curation. Allele origin: germline. Affected: yes.
Comment: GAA c.2646+2_2646+3del is a deletion that affects the donor splice site of intron 18. It is predicted to affect mRNA splicing, leading to a deleterious effect on the GAA protein. This variant has been observed in at least one proband with a GAA-related disorder (PMID:28433478;22081099). At least one splicing study has demonstrated that this variant results in aberrant splicing (PMID:21179066). It is absent or not present at a significant frequency in gnomAD. In conclusion, we classify GAA c.2646+2_2646+3del as a pathogenic variant.

Literature cited by the submitters: PubMed 28433478; PubMed 22081099; PubMed 21179066.